The following is an entry in ClinVar:

ClinVar aggregate classification (germline): Likely benign (0 of 4 stars; one submission).

Conditions:
ALMS1-related disorder. Also called: ALMS1-related condition.

gnomAD v4.1: 2 of 1,614,110 alleles (0.00012%); highest among the groups gnomAD compares: Non-Finnish European, 0.00017%; no homozygotes.

Submission:

PreventionGenetics, part of Exact Sciences
Classification: Likely benign for ALMS1-related condition. Last evaluated: 2024-08-31. Review status: no assertion criteria provided. Collection method: clinical testing. Allele origin: germline.
Comment: This variant is classified as likely benign based on ACMG/AMP sequence variant interpretation guidelines (Richards et al. 2015 PMID: 25741868, with internal and published modifications).

NM_001378454.1(ALMS1):c.7119A>G (p.Ala2373=)

Gene: ALMS1 (ALMS1 centrosome and basal body associated protein; plus strand). Cytogenetic location: 2p13.1.
Variant type: single nucleotide variant.
Coding change: c.7119A>G on transcript NM_001378454.1 (MANE Select); coding-DNA position 7119, A replaced by G.
Protein change: p.Ala2373=; no amino-acid change (alanine 2373 retained).
Molecular consequence: synonymous variant.
Genome position (GRCh38, 1-based): chr2:73,453,646, A>G. VCF-style: chr2-73453646-A-G. GRCh37 (hg19) VCF-style: chr2-73680773-A-G.
Other names: c.7122A>G, p.Ala2374= (NM_015120.4).
Identifiers: ClinVar variation 3347454 (VCV003347454.1).